The following is an entry in ClinVar:

NM_031885.5(BBS2):c.35A>G (p.His12Arg)

Gene: BBS2 (Bardet-Biedl syndrome 2; minus strand). Cytogenetic location: 16q13.
Variant type: single nucleotide variant.
Coding change: c.35A>G on transcript NM_031885.5 (MANE Select); coding-DNA position 35, A replaced by G.
Protein change: p.His12Arg; replaces histidine 12 with arginine.
Molecular consequence: missense variant. On other transcripts: non-coding transcript variant (5).
Genome position (GRCh38, 1-based): chr16:56,519,828, T>C on the plus strand (A>G on the coding strand, the complement: BBS2 is on the minus strand). VCF-style: chr16-56519828-T-C. GRCh37 (hg19) VCF-style: chr16-56553740-T-C.
Other names: c.35A>G, p.His12Arg (NM_001377456.1); short protein forms H12R.
Identifiers: ClinVar variation 967897 (VCV000967897.7), dbSNP rs1238233777, ClinGen allele CA395988240.

ClinVar aggregate classification (germline): Uncertain significance. Review status: criteria provided, single submitter (1 of 4 stars). 2 submissions from 2 submitters: Uncertain significance (1). 1 of the submissions does not count toward it. Last evaluated 2021-08-26.

Conditions:
Bardet-Biedl syndrome 2 (BBS2). Identifiers: Orphanet 110, MedGen C2936863, MONDO:0014432, OMIM 615981.
Bardet-Biedl syndrome (BBS). Identifiers: Orphanet 110, MedGen C0752166, MONDO:0015229.

Allele frequency attached by ClinVar (database versions not stated): gnomAD below 0.00001 and 0.00001.

Submissions (2):

Labcorp Genetics (formerly Invitae), Labcorp
Classification: Uncertain significance for Bardet-Biedl syndrome. Last evaluated: 2021-08-26. Review status: criteria provided, single submitter. Criteria: Invitae Variant Classification Sherloc (09022015). Collection method: clinical testing. Allele origin: germline.
Comment: This sequence change replaces histidine with arginine at codon 12 of the BBS2 protein (p.His12Arg). The histidine residue is highly conserved and there is a small physicochemical difference between histidine and arginine. This variant is not present in population databases (ExAC no frequency). This variant has not been reported in the literature in individuals affected with BBS2-related conditions. Algorithms developed to predict the effect of missense changes on protein structure and function are either unavailable or do not agree on the potential impact of this missense change (SIFT: "Tolerated"; PolyPhen-2: "Probably Damaging"; Align-GVGD: "Class C0"). In summary, the available evidence is currently insufficient to determine the role of this variant in disease. Therefore, it has been classified as a Variant of Uncertain Significance.

Natera, Inc.
Classification: Uncertain significance for Bardet-Biedl syndrome type 2. Last evaluated: 2020-07-28. Review status: no assertion criteria provided. Collection method: clinical testing. Allele origin: germline. Not counted in ClinVar's aggregate classification.